The following is an entry in ClinVar:

NM_153700.2(STRC):c.890A>G (p.Asn297Ser)

Gene: STRC (stereocilin; minus strand). Cytogenetic location: 15q15.3.
Variant type: single nucleotide variant.
Coding change: c.890A>G on transcript NM_153700.2 (MANE Select); coding-DNA position 890, A replaced by G.
Protein change: p.Asn297Ser; replaces asparagine 297 with serine.
Molecular consequence: missense variant.
Genome position (GRCh38, 1-based): chr15:43,616,676, T>C on the plus strand (A>G on the coding strand, the complement: STRC is on the minus strand). VCF-style: chr15-43616676-T-C. GRCh37 (hg19) VCF-style: chr15-43908874-T-C.
Other names: short protein forms N297S.
Identifiers: ClinVar variation 229281 (VCV000229281.5), dbSNP rs876658011, ClinGen allele CA10576985.

ClinVar aggregate classification (germline): Uncertain significance (1 of 4 stars; one submission).

Allele frequency attached by ClinVar (database versions not stated): gnomAD 0.00038.

Submission:

Laboratory for Molecular Medicine, Mass General Brigham Personalized Medicine
Classification: Uncertain significance. Last evaluated: 2015-06-01. Review status: criteria provided, single submitter. Criteria: LMM Criteria. Collection method: clinical testing. Allele origin: germline. Observed: 2 variant alleles.
Comment: The p.Asn297Ser variant in STRC has not been previously reported in individuals with hearing loss. Data from large population studies is insufficient to assess the frequency of this variant. Computational prediction tools and conservation a nalysis suggest that this variant may impact the protein, though this informatio n is not predictive enough to determine pathogenicity. In summary, the clinical significance of the p.Asn297Ser variant is uncertain.